The following is an entry in ClinVar:

ClinVar aggregate classification (germline): Uncertain significance. Review status: criteria provided, multiple submitters, no conflicts (2 of 4 stars). 2 submissions from 2 submitters: Uncertain significance (2). Last evaluated 2026-01-13.

Allele frequency attached by ClinVar (database versions not stated): ExAC 0.00004; TOPMed 0.00009; gnomAD 0.00011; ESP Exome Variant Server 0.00023.

Submissions (2):

Labcorp Genetics (formerly Invitae), Labcorp
Classification: Uncertain significance. Last evaluated: 2026-01-13. Review status: criteria provided, single submitter. Criteria: Invitae Variant Classification Sherloc (09022015). Collection method: clinical testing. Allele origin: germline.
Comment: This sequence change replaces arginine, which is basic and polar, with histidine, which is basic and polar, at codon 93 of the ACOX2 protein (p.Arg93His). This variant is present in population databases (rs141414923, gnomAD 0.005%). This variant has not been reported in the literature in individuals affected with ACOX2-related conditions. ClinVar contains an entry for this variant (Variation ID: 2057888). Invitae Evidence Modeling of protein sequence and biophysical properties (such as structural, functional, and spatial information, amino acid conservation, physicochemical variation, residue mobility, and thermodynamic stability) indicates that this missense variant is not expected to disrupt ACOX2 protein function with a negative predictive value of 80%. In summary, the available evidence is currently insufficient to determine the role of this variant in disease. Therefore, it has been classified as a Variant of Uncertain Significance.

Ambry Genetics
Classification: Uncertain significance. Last evaluated: 2025-04-15. Review status: criteria provided, single submitter. Criteria: Ambry Variant Classification Scheme 2023. Collection method: clinical testing. Allele origin: germline.

NM_003500.4(ACOX2):c.278G>A (p.Arg93His)

Gene: ACOX2 (acyl-CoA oxidase 2; minus strand). Cytogenetic location: 3p14.3.
Variant type: single nucleotide variant.
Coding change: c.278G>A on transcript NM_003500.4 (MANE Select); coding-DNA position 278, G replaced by A.
Protein change: p.Arg93His; replaces arginine 93 with histidine.
Molecular consequence: missense variant.
Genome position (GRCh38, 1-based): chr3:58,534,405, C>T on the plus strand (G>A on the coding strand, the complement: ACOX2 is on the minus strand). VCF-style: chr3-58534405-C-T. GRCh37 (hg19) VCF-style: chr3-58520132-C-T.
Other names: c.278G>A (NM_003500.3); short protein forms R93H.
Identifiers: ClinVar variation 2057888 (VCV002057888.5), dbSNP rs141414923, ClinGen allele CA2472469.